The following is an entry in ClinVar:

ClinVar aggregate classification (germline): Likely benign (0 of 4 stars; one submission).

Conditions:
ITGA8-related disorder. Also called: ITGA8-related condition.

Allele frequency attached by ClinVar (database versions not stated): gnomAD exomes below 0.00001; gnomAD 0.00001; ExAC 0.00002; TOPMed 0.00002; ESP Exome Variant Server 0.00008.
gnomAD v4.1: 3 of 1,613,968 alleles (0.00019%); highest among the groups gnomAD compares: African/African-American, 0.0027%; no homozygotes.

Submission:

PreventionGenetics, part of Exact Sciences
Classification: Likely benign for ITGA8-related condition. Last evaluated: 2021-12-30. Review status: no assertion criteria provided. Collection method: clinical testing. Allele origin: germline.
Comment: This variant is classified as likely benign based on ACMG/AMP sequence variant interpretation guidelines (Richards et al. 2015 PMID: 25741868, with internal and published modifications).

NM_003638.3(ITGA8):c.2638-6T>G

Gene: ITGA8 (integrin subunit alpha 8; minus strand). Cytogenetic location: 10p13.
Variant type: single nucleotide variant.
Coding change: c.2638-6T>G on transcript NM_003638.3 (MANE Select); 6 bases into the intron before coding-DNA position 2638, T replaced by G.
Molecular consequence: intron variant.
Genome position (GRCh38, 1-based): chr10:15,558,208, A>C on the plus strand (T>G on the coding strand, the complement: ITGA8 is on the minus strand). VCF-style: chr10-15558208-A-C. GRCh37 (hg19) VCF-style: chr10-15600207-A-C.
Other names: c.2593-6T>G (NM_001291494.2).
Identifiers: ClinVar variation 3029534 (VCV003029534.2), dbSNP rs371931316, ClinGen allele CA5419775.